The following is an entry in ClinVar:

ClinVar aggregate classification (germline): Uncertain significance (1 of 4 stars; one submission).

Conditions:
Cardiovascular phenotype. Identifiers: MedGen CN230736.
Hereditary cancer-predisposing syndrome. Also called: Tumor predisposition; Neoplastic Syndromes, Hereditary; Hereditary neoplastic syndrome; Hereditary Cancer Syndrome. Identifiers: Orphanet 140162, MedGen C0027672, MeSH D009386, MONDO:0015356.

Submission:

Ambry Genetics
Classification: Uncertain significance for Cardiovascular phenotype; Hereditary cancer-predisposing syndrome. Last evaluated: 2025-08-24. Review status: criteria provided, single submitter. Criteria: Ambry Variant Classification Scheme 2023. Collection method: clinical testing. Allele origin: germline.
Comment: The p.T464K variant (also known as c.1391C>A), located in coding exon 13 of the LZTR1 gene, results from a C to A substitution at nucleotide position 1391. The threonine at codon 464 is replaced by lysine, an amino acid with similar properties. This amino acid position is conserved. In addition, this alteration is predicted to be deleterious by in silico analysis. Based on the available evidence, the clinical significance of this variant remains unclear.

NM_006767.4(LZTR1):c.1391C>A (p.Thr464Lys)

Gene: LZTR1 (leucine zipper like post translational regulator 1; plus strand). Cytogenetic location: 22q11.21.
Variant type: single nucleotide variant.
Coding change: c.1391C>A on transcript NM_006767.4 (MANE Select); coding-DNA position 1391, C replaced by A.
Protein change: p.Thr464Lys; replaces threonine 464 with lysine.
Molecular consequence: missense variant.
Genome position (GRCh38, 1-based): chr22:20,993,961, C>A. VCF-style: chr22-20993961-C-A. GRCh37 (hg19) VCF-style: chr22-21348250-C-A.
Other names: short protein forms T464K.
Identifiers: ClinVar variation 4101937 (VCV004101937.1).
Genomic context (GRCh38, chr22:20,993,961, plus strand): 5'-CCAGTGCATCATTCTTTGTGCAGAAGGAGGAGTGCGTGCAGGGCCACGTAGCCATTGTCA[C>A]AGCGCGGAGCCGCTGGCTTCGCAGGAAGATCACGCAGGCGCGGGAGAGGCTGGCCCAGGT-3'
Protein context (NP_006758.2, residues 454-474): ECVQGHVAIV[Thr464Lys]ARSRWLRRKI